The following is an entry in ClinVar:

NM_005188.4(CBL):c.445C>G (p.Arg149Gly)

Gene: CBL (Cbl proto-oncogene; plus strand). Cytogenetic location: 11q23.3.
Variant type: single nucleotide variant.
Coding change: c.445C>G on transcript NM_005188.4 (MANE Select); coding-DNA position 445, C replaced by G.
Protein change: p.Arg149Gly; replaces arginine 149 with glycine.
Molecular consequence: missense variant.
Genome position (GRCh38, 1-based): chr11:119,271,736, C>G. VCF-style: chr11-119271736-C-G. GRCh37 (hg19) VCF-style: chr11-119142446-C-G.
Other names: short protein forms R149G.
Identifiers: ClinVar variation 3827851 (VCV003827851.1).

ClinVar aggregate classification (germline): Uncertain significance (1 of 4 stars; one submission).

Conditions:
Cardiovascular phenotype. Identifiers: MedGen CN230736.

Submission:

Ambry Genetics
Classification: Uncertain significance for Cardiovascular phenotype. Last evaluated: 2025-02-16. Review status: criteria provided, single submitter. Criteria: Ambry Variant Classification Scheme 2023. Collection method: clinical testing. Allele origin: germline.
Comment: The p.R149G variant (also known as c.445C>G), located in coding exon 3 of the CBL gene, results from a C to G substitution at nucleotide position 445. The arginine at codon 149 is replaced by glycine, an amino acid with dissimilar properties. This amino acid position is conserved. In addition, this alteration is predicted to be deleterious by in silico analysis. Based on the available evidence, the clinical significance of this variant remains unclear.